The following is an entry in ClinVar:

ClinVar aggregate classification (germline): Uncertain significance (1 of 4 stars; one submission).

gnomAD v4.1: 1 of 1,589,848 alleles (0.000063%); highest among the groups gnomAD compares: African/African-American, 0.0013%; no homozygotes.

Submission:

Labcorp Genetics (formerly Invitae), Labcorp
Classification: Uncertain significance. Last evaluated: 2024-05-23. Review status: criteria provided, single submitter. Criteria: Invitae Variant Classification Sherloc (09022015). Collection method: clinical testing. Allele origin: germline.
Comment: This sequence change falls in intron 63 of the ADGRV1 gene. It does not directly change the encoded amino acid sequence of the ADGRV1 protein. This variant is present in population databases (no rsID available, gnomAD 0.01%). This variant has not been reported in the literature in individuals affected with ADGRV1-related conditions. Algorithms developed to predict the effect of sequence changes on RNA splicing suggest that this variant may disrupt the consensus splice site. In summary, the available evidence is currently insufficient to determine the role of this variant in disease. Therefore, it has been classified as a Variant of Uncertain Significance.

NM_032119.4(ADGRV1):c.12850-15A>G

Gene: ADGRV1 (adhesion G protein-coupled receptor V1; plus strand). Cytogenetic location: 5q14.3.
Variant type: single nucleotide variant.
Coding change: c.12850-15A>G on transcript NM_032119.4 (MANE Select); 15 bases into the intron before coding-DNA position 12850, A replaced by G.
Molecular consequence: intron variant.
Genome position (GRCh38, 1-based): chr5:90,778,850, A>G. VCF-style: chr5-90778850-A-G. GRCh37 (hg19) VCF-style: chr5-90074667-A-G.
Identifiers: ClinVar variation 3692455 (VCV003692455.2).